The following is an entry in ClinVar:

NM_025137.4(SPG11):c.3122G>C (p.Arg1041Pro)

Gene: SPG11 (SPG11 vesicle trafficking associated, spatacsin; minus strand). Cytogenetic location: 15q21.1.
Variant type: single nucleotide variant.
Coding change: c.3122G>C on transcript NM_025137.4 (MANE Select); coding-DNA position 3122, G replaced by C.
Protein change: p.Arg1041Pro; replaces arginine 1041 with proline.
Molecular consequence: missense variant.
Genome position (GRCh38, 1-based): chr15:44,613,453, C>G on the plus strand (G>C on the coding strand, the complement: SPG11 is on the minus strand). VCF-style: chr15-44613453-C-G. GRCh37 (hg19) VCF-style: chr15-44905651-C-G.
Other names: c.3122G>C, p.Arg1041Pro (NM_001160227.2, NM_001411132.1); short protein forms R1041P.
Identifiers: ClinVar variation 1947413 (VCV001947413.5), dbSNP rs746703646, ClinGen allele CA392228292.

ClinVar aggregate classification (germline): Uncertain significance (1 of 4 stars; one submission).

Conditions:
Hereditary spastic paraplegia 11. Also called: Nakamura Osame syndrome; Autosomal recessive hereditary spastic paraplegia, mental impairment, and thin corpus callosum; SPASTIC PARAPLEGIA, AUTOSOMAL RECESSIVE, COMPLICATED, WITH THIN CORPUS CALLOSUM; SPASTIC PARAPLEGIA, AUTOSOMAL RECESSIVE, WITH MENTAL IMPAIRMENT AND THIN CORPUS CALLOSUM; Spastic Paraplegia 11; Spastic paraplegia, mental retardation and thin corpus callosum. Identifiers: Orphanet 2822, MedGen C1858479, MONDO:0011445, OMIM 604360.

Submission:

Labcorp Genetics (formerly Invitae), Labcorp
Classification: Uncertain significance for Hereditary spastic paraplegia 11. Last evaluated: 2022-04-12. Review status: criteria provided, single submitter. Criteria: Invitae Variant Classification Sherloc (09022015). Collection method: clinical testing. Allele origin: germline.
Comment: In summary, the available evidence is currently insufficient to determine the role of this variant in disease. Therefore, it has been classified as a Variant of Uncertain Significance. Algorithms developed to predict the effect of missense changes on protein structure and function are either unavailable or do not agree on the potential impact of this missense change (SIFT: "Deleterious"; PolyPhen-2: "Probably Damaging"; Align-GVGD: "Class C15"). This variant has not been reported in the literature in individuals affected with SPG11-related conditions. This variant is not present in population databases (gnomAD no frequency). This sequence change replaces arginine, which is basic and polar, with proline, which is neutral and non-polar, at codon 1041 of the SPG11 protein (p.Arg1041Pro).